The following is an entry in ClinVar:

ClinVar aggregate classification (germline): Uncertain significance (1 of 4 stars; one submission).

Submission:

CeGaT Center for Human Genetics Tuebingen
Classification: Uncertain significance. Last evaluated: 2026-02-01. Review status: criteria provided, single submitter. Criteria: CeGaT Center For Human Genetics Tuebingen Variant Classification Criteria Version 2. Collection method: clinical testing. Allele origin: germline. Affected: yes. Observed: 1 variant allele.
Comment: CLIC2: PM2, BP4

NM_001289.6(CLIC2):c.734A>G (p.Gln245Arg)

Gene: CLIC2 (CLIC family member 2; minus strand). Cytogenetic location: Xq28.
Variant type: single nucleotide variant.
Coding change: c.734A>G on transcript NM_001289.6 (MANE Select); coding-DNA position 734, A replaced by G.
Protein change: p.Gln245Arg; replaces glutamine 245 with arginine.
Molecular consequence: missense variant.
Genome position (GRCh38, 1-based): chrX:155,277,913, T>C on the plus strand (A>G on the coding strand, the complement: CLIC2 is on the minus strand). VCF-style: chrX-155277913-T-C. GRCh37 (hg19) VCF-style: chrX-154507202-T-C.
Other names: short protein forms Q245R.
Identifiers: ClinVar variation 4823305 (VCV004823305.4).